The following is an entry in ClinVar:

NM_001366722.1(GRIP1):c.85C>T (p.Gln29Ter)

Gene: GRIP1 (glutamate receptor interacting protein 1; minus strand). Cytogenetic location: 12q14.3.
Variant type: single nucleotide variant.
Coding change: c.85C>T on transcript NM_001366722.1 (MANE Select); coding-DNA position 85, C replaced by T.
Protein change: p.Gln29Ter; replaces glutamine 29 with a stop codon.
Molecular consequence: nonsense.
Genome position (GRCh38, 1-based): chr12:66,596,898, G>A on the plus strand (C>T on the coding strand, the complement: GRIP1 is on the minus strand). VCF-style: chr12-66596898-G-A. GRCh37 (hg19) VCF-style: chr12-66990678-G-A.
Other names: c.85C>T, p.Gln29Ter (NM_001178074.2, NM_001379346.1, NM_021150.4); c.163C>T, p.Gln55Ter (NM_001366723.1, NM_001366724.1, NM_001379345.1 and 2 more transcripts); c.88C>T, p.Gln30Ter (NM_001379349.1, NM_001379351.1, NM_001439322.1 and 1 more transcripts); short protein forms Q29*, Q30*, Q55*.
Identifiers: ClinVar variation 5005155 (VCV005005155.3).

ClinVar aggregate classification (germline): Pathogenic/Likely pathogenic. Review status: criteria provided, multiple submitters, no conflicts (2 of 4 stars). 2 submissions from 2 submitters: Pathogenic (1); Likely pathogenic (1). Last evaluated 2024-09-09.

Conditions:
Fraser syndrome 3. Identifiers: MedGen C4540040, MONDO:0054739, OMIM 617667.

Submissions (2):

Myriad Genetics, Inc.
Classification: Pathogenic for Fraser syndrome 3. Last evaluated: 2024-09-09. Review status: criteria provided, single submitter. Criteria: Myriad Autosomal Dominant, Autosomal Recessive and X-Linked Classification Criteria (2023). Collection method: clinical testing. Allele origin: unknown.
Comment: NM_021150.3(GRIP1):c.85C>T(Q29*) is expected to be pathogenic in the context of Fraser syndrome, GRIP1-related. This variant is predicted to lead to an abnormal or absent protein product due to the creation of a premature termination codon in GRIP1, a gene where loss-of-function variants are known to be pathogenic. Please note: this variant was assessed in the context of healthy population screening.

Juno Genomics, Hangzhou Juno Genomics, Inc
Classification: Likely pathogenic for Fraser syndrome 3. Review status: criteria provided, single submitter. Criteria: ACMG Guidelines, 2015. Collection method: clinical testing. Allele origin: germline.
Comment: Null variant in a gene where loss of function (LOF) is a known mechanism of disease.;Absent from controls (or at extremely low frequency if recessive) in Genome Aggregation Database.